The following is an entry in ClinVar:

ClinVar aggregate classification (germline): Conflicting classifications of pathogenicity. Review status: criteria provided, conflicting classifications (1 of 4 stars). 6 submissions from 6 submitters: Uncertain significance (1); Benign (1); Likely benign (4). Last evaluated 2026-02-01.

Allele frequency attached by ClinVar (database versions not stated): gnomAD exomes 0.00071; ExAC 0.00090; gnomAD 0.00221 and 0.00233; ESP Exome Variant Server 0.00262; TOPMed 0.00277; 1000 Genomes Project 0.00339; 1000 Genomes Project 30x 0.00344.

Submissions (6):

CeGaT Center for Human Genetics Tuebingen
Classification: Likely benign. Last evaluated: 2026-02-01. Review status: criteria provided, single submitter. Criteria: CeGaT Center For Human Genetics Tuebingen Variant Classification Criteria Version 2. Collection method: clinical testing. Allele origin: germline. Affected: yes. Observed: 1 variant allele.
Comment: KIF22: BP4, BS1

Labcorp Genetics (formerly Invitae), Labcorp
Classification: Benign. Last evaluated: 2025-12-16. Review status: criteria provided, single submitter. Criteria: Invitae Variant Classification Sherloc (09022015). Collection method: clinical testing. Allele origin: germline.

Ambry Genetics
Classification: Uncertain significance. Last evaluated: 2025-08-20. Review status: criteria provided, single submitter. Criteria: Ambry Variant Classification Scheme 2023. Collection method: clinical testing. Allele origin: germline.

Blueprint Genetics
Classification: Likely benign. Last evaluated: 2024-11-13. Review status: criteria provided, single submitter. Criteria: ACMG Guidelines, 2015. Collection method: clinical testing. Allele origin: germline.

Eurofins Ntd Llc (ga)
Classification: Likely benign. Last evaluated: 2018-05-16. Review status: criteria provided, single submitter. Criteria: EGL ClinVar v180209 classification definitions. Collection method: clinical testing. Allele origin: germline. Observed: 1 variant allele, 1 heterozygote.

Breakthrough Genomics
Classification: Likely benign. Review status: criteria provided, single submitter. Criteria: ACMG Guidelines, 2015. Collection method: not provided. Allele origin: germline. Inheritance: Autosomal dominant inheritance. Affected: yes.

NM_007317.3(KIF22):c.1397G>A (p.Arg466Gln)

Gene: KIF22 (kinesin family member 22; plus strand). Cytogenetic location: 16p11.2.
Variant type: single nucleotide variant.
Coding change: c.1397G>A on transcript NM_007317.3 (MANE Select); coding-DNA position 1397, G replaced by A.
Protein change: p.Arg466Gln; replaces arginine 466 with glutamine.
Molecular consequence: missense variant.
Genome position (GRCh38, 1-based): chr16:29,802,885, G>A. VCF-style: chr16-29802885-G-A. GRCh37 (hg19) VCF-style: chr16-29814206-G-A.
Other names: c.1193G>A, p.Arg398Gln (NM_001256269.2, NM_001256270.1); c.1397G>A (NM_007317.1); short protein forms R466Q, R398Q.
Identifiers: ClinVar variation 597283 (VCV000597283.22), dbSNP rs145879411, ClinGen allele CA7993269.